The following is an entry in ClinVar:

NM_001849.4(COL6A2):c.116-3C>T

Gene: COL6A2 (collagen type VI alpha 2 chain; plus strand). Cytogenetic location: 21q22.3.
Variant type: single nucleotide variant.
Coding change: c.116-3C>T on transcript NM_001849.4 (MANE Select); 3 bases into the intron before coding-DNA position 116, C replaced by T.
Molecular consequence: intron variant.
Genome position (GRCh38, 1-based): chr21:46,111,976, C>T. VCF-style: chr21-46111976-C-T. GRCh37 (hg19) VCF-style: chr21-47531890-C-T.
Other names: c.116-3C>T (NM_058175.3, NM_058174.3).
Identifiers: ClinVar variation 642326 (VCV000642326.17), dbSNP rs767597831, ClinGen allele CA10071211.

ClinVar aggregate classification (germline): Uncertain significance. Review status: criteria provided, multiple submitters, no conflicts (2 of 4 stars). 4 submissions from 4 submitters: Uncertain significance (3). 1 of the submissions does not count toward it. Last evaluated 2025-09-06.

Conditions:
Bethlem myopathy 1A. Also called: Bethlem myopathy 1; Bethlem Muscular Dystrophy; MYOPATHY, BENIGN CONGENITAL, WITH CONTRACTURES. Identifiers: Orphanet 610, MedGen CN029274, MONDO:0024530, OMIM 158810.
COL6A2-related disorder.

Allele frequency attached by ClinVar (database versions not stated): TOPMed 0.00004; gnomAD 0.00005.
gnomAD v4.1: 120 of 1,610,934 alleles (0.0074%); highest among the groups gnomAD compares: Non-Finnish European, 0.0095%; no homozygotes.

Submissions (4):

Labcorp Genetics (formerly Invitae), Labcorp
Classification: Uncertain significance for Bethlem myopathy 1A. Last evaluated: 2025-09-06. Review status: criteria provided, single submitter. Criteria: Invitae Variant Classification Sherloc (09022015). Collection method: clinical testing. Allele origin: germline.
Comment: This sequence change falls in intron 2 of the COL6A2 gene. It does not directly change the encoded amino acid sequence of the COL6A2 protein. It affects a nucleotide within the consensus splice site. This variant is present in population databases (rs767597831, gnomAD 0.008%). This variant has not been reported in the literature in individuals affected with COL6A2-related conditions. ClinVar contains an entry for this variant (Variation ID: 642326). Variants that disrupt the consensus splice site are a relatively common cause of aberrant splicing (PMID: 17576681, 9536098). Algorithms developed to predict the effect of sequence changes on RNA splicing suggest that this variant may disrupt the consensus splice site. In summary, the available evidence is currently insufficient to determine the role of this variant in disease. Therefore, it has been classified as a Variant of Uncertain Significance.

Mayo Clinic Laboratories, Mayo Clinic
Classification: Uncertain significance. Last evaluated: 2022-09-14. Review status: criteria provided, single submitter. Criteria: ACMG Guidelines, 2015. Collection method: clinical testing. Allele origin: germline. Observed: 1 variant allele.

GeneDx
Classification: Uncertain significance. Last evaluated: 2020-10-22. Review status: criteria provided, single submitter. Criteria: GeneDx Variant Classification Process June 2021. Collection method: clinical testing. Allele origin: germline. Affected: yes.
Comment: Has not been previously published as pathogenic or benign to our knowledge; In-silico analysis, which includes splice predictors and evolutionary conservation, is inconclusive as to whether the variant alters gene splicing. In the absence of RNA/functional studies, the actual effect of this sequence change is unknown.; A different splice change at this residue (c.116-3 C>G) has been reported in the Human Gene Mutation Database (Stenson et al., 2014)

PreventionGenetics, part of Exact Sciences
Classification: Likely benign for COL6A2-related condition. Last evaluated: 2023-07-14. Review status: no assertion criteria provided. Collection method: clinical testing. Allele origin: germline. Not counted in ClinVar's aggregate classification.
Comment: This variant is classified as likely benign based on ACMG/AMP sequence variant interpretation guidelines (Richards et al. 2015 PMID: 25741868, with internal and published modifications).

Literature cited by the submitters: PubMed 17576681 (cited by Labcorp Genetics (formerly Invitae), Labcorp); PubMed 9536098 (cited by Labcorp Genetics (formerly Invitae), Labcorp).